The following is an entry in ClinVar:

NM_000038.6(APC):c.6358G>C (p.Ala2120Pro)

Gene: APC (APC regulator of Wnt signaling pathway; plus strand). Cytogenetic location: 5q22.2.
Variant type: single nucleotide variant.
Coding change: c.6358G>C on transcript NM_000038.6 (MANE Select); coding-DNA position 6358, G replaced by C.
Protein change: p.Ala2120Pro; replaces alanine 2120 with proline.
Molecular consequence: missense variant.
Genome position (GRCh38, 1-based): chr5:112,841,952, G>C. VCF-style: chr5-112841952-G-C. GRCh37 (hg19) VCF-style: chr5-112177649-G-C.
Other names: c.6358G>C, p.Ala2120Pro (NM_001127510.3, NM_001354895.2); c.6304G>C, p.Ala2102Pro (NM_001127511.3); c.6412G>C, p.Ala2138Pro (NM_001354896.2); c.6388G>C, p.Ala2130Pro (NM_001354897.2); c.6283G>C, p.Ala2095Pro (NM_001354898.2); c.6274G>C, p.Ala2092Pro (NM_001354899.2); c.6235G>C, p.Ala2079Pro (NM_001354900.2); c.6181G>C, p.Ala2061Pro (NM_001354901.2); and 6 more; short protein forms A1837P, A1960P, A1994P, A2019P, A2029P, A2061P, A2079P, A2092P.
Identifiers: ClinVar variation 1697526 (VCV001697526.15), dbSNP rs754015152, ClinGen allele CA16035256.
Genomic context (GRCh38, chr5:112,841,952, plus strand): 5'-GATTGGAAAGCTATTCAGGAAGGTGCAAATTCCATAGTAAGTAGTTTACATCAAGCTGCT[G>C]CTGCTGCATGTTTATCTAGACAAGCTTCGTCTGATTCAGATTCCATCCTTTCCCTGAAAT-3'
Protein context (NP_000029.2, residues 2110-2130): SIVSSLHQAA[Ala2120Pro]AACLSRQASS

ClinVar aggregate classification (germline): Uncertain significance. Review status: criteria provided, multiple submitters, no conflicts (2 of 4 stars). 3 submissions from 3 submitters: Uncertain significance (3). Last evaluated 2025-05-20.

Conditions:
Hereditary cancer-predisposing syndrome. Also called: Hereditary neoplastic syndrome; Tumor predisposition; Neoplastic Syndromes, Hereditary; Hereditary Cancer Syndrome. Identifiers: Orphanet 140162, MedGen C0027672, MeSH D009386, MONDO:0015356.
Familial adenomatous polyposis 1 (FAP1). Also called: POLYPOSIS, ADENOMATOUS INTESTINAL; FAMILIAL ADENOMATOUS POLYPOSIS 1, ATTENUATED. Identifiers: MedGen C2713442, MONDO:0021056, OMIM 175100. Disease mechanism: loss of function.

Submissions (3):

Ambry Genetics
Classification: Uncertain significance for Hereditary cancer-predisposing syndrome. Last evaluated: 2025-05-20. Review status: criteria provided, single submitter. Criteria: Ambry Variant Classification Scheme 2023. Collection method: clinical testing. Allele origin: germline.
Comment: The p.A2120P variant (also known as c.6358G>C), located in coding exon 15 of the APC gene, results from a G to C substitution at nucleotide position 6358. The alanine at codon 2120 is replaced by proline, an amino acid with highly similar properties. This amino acid position is highly conserved in available vertebrate species. Missense alterations in APC are not a common cause of disease (Spier I et al. Genet Med. 2024 Feb;26(2):100992). In addition, in silico predictors for this gene do not accurately predict pathogenicity. Since supporting evidence is limited at this time, the clinical significance of this alteration remains unclear.

Center for Genomic Medicine, Rigshospitalet, Copenhagen University Hospital
Classification: Uncertain significance. Last evaluated: 2025-03-04. Review status: criteria provided, single submitter. Criteria: ACMG Guidelines, 2015. Collection method: clinical testing. Allele origin: germline.

Labcorp Genetics (formerly Invitae), Labcorp
Classification: Uncertain significance for Familial adenomatous polyposis 1. Last evaluated: 2022-08-07. Review status: criteria provided, single submitter. Criteria: Invitae Variant Classification Sherloc (09022015). Collection method: clinical testing. Allele origin: germline.
Comment: This sequence change replaces alanine, which is neutral and non-polar, with proline, which is neutral and non-polar, at codon 2120 of the APC protein (p.Ala2120Pro). In summary, the available evidence is currently insufficient to determine the role of this variant in disease. Therefore, it has been classified as a Variant of Uncertain Significance. Algorithms developed to predict the effect of missense changes on protein structure and function are either unavailable or do not agree on the potential impact of this missense change (SIFT: "Deleterious"; PolyPhen-2: "Probably Damaging"; Align-GVGD: "Class C0"). ClinVar contains an entry for this variant (Variation ID: 1697526). This variant has not been reported in the literature in individuals affected with APC-related conditions. This variant is not present in population databases (gnomAD no frequency).